The following is an entry in ClinVar:

NM_001130021.3(ATP6V0A1):c.1168A>G (p.Asn390Asp)

Gene: ATP6V0A1 (ATPase H+ transporting V0 subunit a1; plus strand). Cytogenetic location: 17q21.2.
Variant type: single nucleotide variant.
Coding change: c.1168A>G on transcript NM_001130021.3 (MANE Select); coding-DNA position 1168, A replaced by G.
Protein change: p.Asn390Asp; replaces asparagine 390 with aspartic acid.
Molecular consequence: missense variant.
Genome position (GRCh38, 1-based): chr17:42,490,631, A>G. VCF-style: chr17-42490631-A-G. GRCh37 (hg19) VCF-style: chr17-40642649-A-G.
Other names: c.1189A>G, p.Asn397Asp (NM_001130020.3, NM_001378522.1, NM_001378523.1 and 3 more transcripts); c.1291A>G, p.Asn431Asp (NM_001378530.1, NM_001378533.1, NM_001378551.1 and 1 more transcripts); c.1312A>G, p.Asn438Asp (NM_001378531.1, NM_001378532.1); c.1168A>G, p.Asn390Asp (NM_001378535.1, NM_001378537.1, NM_001378542.1 and 4 more transcripts); c.1060A>G, p.Asn354Asp (NM_001378536.1, NM_001378550.1, NM_001378556.1); c.1039A>G, p.Asn347Asp (NM_001378538.1, NM_001378540.1); c.1009A>G, p.Asn337Asp (NM_001378543.1); c.958A>G, p.Asn320Asp (NM_001378545.1, NM_001378554.1); and 2 more; short protein forms N319D, N320D, N330D, N337D, N347D, N354D, N390D, N397D.
Identifiers: ClinVar variation 3368471 (VCV003368471.1).
Genomic context (GRCh38, chr17:42,490,631, plus strand): 5'-TTTACCTATGGCTTTCAGAACATAGTAGATGCTTATGGAATTGGAACTTACCGAGAGATA[A>G]ATCCAGGTAAAAAAAAGCTTGTTATCTTTTTCCTCTAGAGTTTTTTTTGTTTGTTTGGTT-3'
Protein context (NP_001123493.1, residues 380-400): AYGIGTYREI[Asn390Asp]PAPYTIITFP

ClinVar aggregate classification (germline): Uncertain significance (1 of 4 stars; one submission).

gnomAD v4.1: 12 of 1,583,302 alleles (0.00076%); highest among the groups gnomAD compares: Non-Finnish European, 0.001%; no homozygotes.

Submission:

GeneDx
Classification: Uncertain significance. Last evaluated: 2024-02-02. Review status: criteria provided, single submitter. Criteria: GeneDx Variant Classification Process June 2021. Collection method: clinical testing. Allele origin: germline. Affected: yes.
Comment: Not observed at significant frequency in large population cohorts (gnomAD); In silico analysis supports that this missense variant has a deleterious effect on protein structure/function; Has not been previously published as pathogenic or benign to our knowledge